The following is an entry in ClinVar:

ClinVar aggregate classification (germline): Uncertain significance (1 of 4 stars; one submission).

Conditions:
Norman-Roberts syndrome (LIS2). Also called: Lissencephaly 2 (Norman-Roberts type). Identifiers: Orphanet 89844, MedGen C0796089, MONDO:0009760, OMIM 257320.
Familial temporal lobe epilepsy 7. Identifiers: Orphanet 101046, MedGen C4225327, MONDO:0014639, OMIM 616436.

Submission:

Labcorp Genetics (formerly Invitae), Labcorp
Classification: Uncertain significance for Familial temporal lobe epilepsy 7; Norman-Roberts syndrome. Last evaluated: 2024-11-01. Review status: criteria provided, single submitter. Criteria: Invitae Variant Classification Sherloc (09022015). Collection method: clinical testing. Allele origin: germline.
Comment: This sequence change replaces aspartic acid, which is acidic and polar, with histidine, which is basic and polar, at codon 1611 of the RELN protein (p.Asp1611His). This variant is not present in population databases (gnomAD no frequency). This variant has not been reported in the literature in individuals affected with RELN-related conditions. Invitae Evidence Modeling of protein sequence and biophysical properties (such as structural, functional, and spatial information, amino acid conservation, physicochemical variation, residue mobility, and thermodynamic stability) indicates that this missense variant is not expected to disrupt RELN protein function with a negative predictive value of 80%. In summary, the available evidence is currently insufficient to determine the role of this variant in disease. Therefore, it has been classified as a Variant of Uncertain Significance.

NM_005045.4(RELN):c.4831G>C (p.Asp1611His)

Gene: RELN (reelin; minus strand). Cytogenetic location: 7q22.1.
Variant type: single nucleotide variant.
Coding change: c.4831G>C on transcript NM_005045.4 (MANE Select); coding-DNA position 4831, G replaced by C.
Protein change: p.Asp1611His; replaces aspartic acid 1611 with histidine.
Molecular consequence: missense variant.
Genome position (GRCh38, 1-based): chr7:103,566,329, C>G on the plus strand (G>C on the coding strand, the complement: RELN is on the minus strand). VCF-style: chr7-103566329-C-G. GRCh37 (hg19) VCF-style: chr7-103206776-C-G.
Other names: c.4831G>C, p.Asp1611His (NM_173054.3); short protein forms D1611H.
Identifiers: ClinVar variation 3757687 (VCV003757687.2).